The following is an entry in ClinVar:

NM_001231.5(CASQ1):c.445A>G (p.Ile149Val)

Gene: CASQ1 (calsequestrin 1; plus strand). Cytogenetic location: 1q23.2.
Variant type: single nucleotide variant.
Coding change: c.445A>G on transcript NM_001231.5 (MANE Select); coding-DNA position 445, A replaced by G.
Protein change: p.Ile149Val; replaces isoleucine 149 with valine.
Molecular consequence: missense variant.
Genome position (GRCh38, 1-based): chr1:160,193,827, A>G. VCF-style: chr1-160193827-A-G. GRCh37 (hg19) VCF-style: chr1-160163617-A-G.
Other names: short protein forms I149V.
Identifiers: ClinVar variation 2806115 (VCV002806115.3), dbSNP rs1297125736, ClinGen allele CA343254211.

ClinVar aggregate classification (germline): Uncertain significance (1 of 4 stars; one submission).

Allele frequency attached by ClinVar (database versions not stated): gnomAD exomes below 0.00001; TOPMed below 0.00001.

Submission:

Labcorp Genetics (formerly Invitae), Labcorp
Classification: Uncertain significance. Last evaluated: 2024-01-11. Review status: criteria provided, single submitter. Criteria: Invitae Variant Classification Sherloc (09022015). Collection method: clinical testing. Allele origin: germline.
Comment: This sequence change replaces isoleucine, which is neutral and non-polar, with valine, which is neutral and non-polar, at codon 149 of the CASQ1 protein (p.Ile149Val). This variant is not present in population databases (gnomAD no frequency). This variant has not been reported in the literature in individuals affected with CASQ1-related conditions. Advanced modeling of protein sequence and biophysical properties (such as structural, functional, and spatial information, amino acid conservation, physicochemical variation, residue mobility, and thermodynamic stability) performed at Invitae indicates that this missense variant is not expected to disrupt CASQ1 protein function with a negative predictive value of 80%. In summary, the available evidence is currently insufficient to determine the role of this variant in disease. Therefore, it has been classified as a Variant of Uncertain Significance.